The following is an entry in ClinVar:

NM_003126.4(SPTA1):c.466C>T (p.Arg156Trp)

Gene: SPTA1 (spectrin alpha, erythrocytic 1; minus strand). Cytogenetic location: 1q23.1.
Variant type: single nucleotide variant.
Coding change: c.466C>T on transcript NM_003126.4 (MANE Select); coding-DNA position 466, C replaced by T.
Protein change: p.Arg156Trp; replaces arginine 156 with tryptophan.
Molecular consequence: missense variant.
Genome position (GRCh38, 1-based): chr1:158,681,592, G>A on the plus strand (C>T on the coding strand, the complement: SPTA1 is on the minus strand). VCF-style: chr1-158681592-G-A. GRCh37 (hg19) VCF-style: chr1-158651382-G-A.
Other names: p.Arg156Trp; short protein forms R156W.
Identifiers: ClinVar variation 2072455 (VCV002072455.6), dbSNP rs377051298, ClinGen allele CA1184131.

ClinVar aggregate classification (germline): Conflicting classifications of pathogenicity. Review status: criteria provided, conflicting classifications (1 of 4 stars). 3 submissions from 3 submitters: Uncertain significance (2); Likely benign (1). Last evaluated 2025-01-21.

Allele frequency attached by ClinVar (database versions not stated): ESP Exome Variant Server 0.00008; gnomAD 0.00017; TOPMed 0.00019.

Submissions (3):

Labcorp Genetics (formerly Invitae), Labcorp
Classification: Likely benign. Last evaluated: 2025-01-21. Review status: criteria provided, single submitter. Criteria: Invitae Variant Classification Sherloc (09022015). Collection method: clinical testing. Allele origin: germline.

Revvity Omics, Revvity
Classification: Uncertain significance. Last evaluated: 2023-12-08. Review status: criteria provided, single submitter. Criteria: ACMG Guidelines, 2015. Collection method: clinical testing. Allele origin: germline.

Mayo Clinic Laboratories, Mayo Clinic
Classification: Uncertain significance. Last evaluated: 2023-05-31. Review status: criteria provided, single submitter. Criteria: ACMG Guidelines, 2015. Collection method: clinical testing. Allele origin: germline. Observed: 1 variant allele.
Comment: BP4

Literature cited by the submitters: PubMed 34481427 (cited by Mayo Clinic Laboratories, Mayo Clinic).